The following is an entry in ClinVar:

NM_024721.5(ZFHX4):c.3394+2T>C

Gene: ZFHX4 (zinc finger homeobox 4; plus strand). Cytogenetic location: 8q21.13.
Variant type: single nucleotide variant.
Coding change: c.3394+2T>C on transcript NM_024721.5 (MANE Select); the canonical splice donor site of the intron after coding-DNA position 3394, T replaced by C.
Molecular consequence: splice donor variant.
Genome position (GRCh38, 1-based): chr8:76,833,408, T>C. VCF-style: chr8-76833408-T-C. GRCh37 (hg19) VCF-style: chr8-77745644-T-C.
Other names: c.3316+2T>C (NM_001410934.1).
Identifiers: ClinVar variation 3900321 (VCV003900321.2).

ClinVar aggregate classification (germline): Likely pathogenic (1 of 4 stars; one submission).

gnomAD v4.1: 2 of 1,600,970 alleles (0.00012%); highest among the groups gnomAD compares: African/African-American, 0.0027%; no homozygotes.

Submission:

GeneDx
Classification: Likely pathogenic. Last evaluated: 2026-03-06. Review status: criteria provided, single submitter. Criteria: GeneDx Variant Classification Process June 2021. Collection method: clinical testing. Allele origin: germline.
Comment: Canonical splice site variant predicted to result in an in-frame loss of the adjacent exon in a gene for which loss of function is a known mechanism of disease; Not observed at significant frequency in large population cohorts (gnomAD); Has not been previously published as pathogenic or benign to our knowledge